The following is an entry in ClinVar:

NM_133372.3(FNIP1):c.2650T>C (p.Phe884Leu)

Gene: FNIP1 (folliculin interacting protein 1; minus strand). Cytogenetic location: 5q31.1.
Variant type: single nucleotide variant.
Coding change: c.2650T>C on transcript NM_133372.3 (MANE Select); coding-DNA position 2650, T replaced by C.
Protein change: p.Phe884Leu; replaces phenylalanine 884 with leucine.
Molecular consequence: missense variant.
Genome position (GRCh38, 1-based): chr5:131,671,794, A>G on the plus strand (T>C on the coding strand, the complement: FNIP1 is on the minus strand). VCF-style: chr5-131671794-A-G. GRCh37 (hg19) VCF-style: chr5-131007487-A-G.
Other names: c.2566T>C, p.Phe856Leu (NM_001008738.3); c.2515T>C, p.Phe839Leu (NM_001346114.2); short protein forms F856L, F884L, F839L.
Identifiers: ClinVar variation 2045748 (VCV002045748.5), dbSNP rs61746600, ClinGen allele CA3400484.
Genomic context (GRCh38, chr5:131,671,794, plus strand): 5'-CCTGCTGAGGAAAGCAGGTTTTACATGAATCTTGGGGAACTGTTTCTATACATTTACAAA[A>G]TTCATTGTTCTGCTTGTTATTTTTTGTACACAATATTTTTGAAAACTCTAACATACAGCA-3'
Protein context (NP_588613.3, residues 874-894): CTKNNKQNNE[Phe884Leu]CKCIETVPQD

ClinVar aggregate classification (germline): Benign/Likely benign. Review status: criteria provided, multiple submitters, no conflicts (2 of 4 stars). 2 submissions from 2 submitters: Benign (1); Likely benign (1). Last evaluated 2026-02-10.

Allele frequency attached by ClinVar (database versions not stated): gnomAD exomes 0.00030; ExAC 0.00106; gnomAD 0.00323; TOPMed 0.00379; ESP Exome Variant Server 0.00384; 1000 Genomes Project 0.00399; 1000 Genomes Project 30x 0.00453.
gnomAD v4.1: 945 of 1,614,062 alleles (0.059%); highest among the groups gnomAD compares: African/African-American, 1.1%; 5 homozygotes.

Submissions (2):

Women's Health and Genetics/Laboratory Corporation of America, LabCorp
Classification: Likely benign. Last evaluated: 2026-02-10. Review status: criteria provided, single submitter. Criteria: LabCorp Variant Classification Summary - May 2015. Collection method: clinical testing. Allele origin: germline.
Comment: Variant summary: FNIP1 c.2650T>C (p.Phe884Leu) results in a non-conservative amino acid change in the encoded protein sequence. Algorithms developed to predict the effect of missense changes on protein structure and function are either unavailable or do not agree on the potential impact of this missense change. The variant allele was found at a frequency of 0.00083 in 249810 control chromosomes, predominantly at a frequency of 0.011 within the African or African-American subpopulation in the gnomAD database. The observed variant frequency within African or African-American control individuals in the gnomAD database exceeds the estimated maximal expected allele frequency for disease-causing variants in FNIP1. To our knowledge, no occurrence of c.2650T>C in individuals affected with FNIP1-related conditions and no experimental evidence demonstrating its impact on protein function have been reported. ClinVar contains an entry for this variant (Variation ID: 2045748). Based on the evidence outlined above, the variant was classified as likely benign.

Labcorp Genetics (formerly Invitae), Labcorp
Classification: Benign. Last evaluated: 2026-01-19. Review status: criteria provided, single submitter. Criteria: Invitae Variant Classification Sherloc (09022015). Collection method: clinical testing. Allele origin: germline.